The following is an entry in ClinVar:

NM_000094.4(COL7A1):c.4011+6G>T

Gene: COL7A1 (collagen type VII alpha 1 chain; minus strand). Cytogenetic location: 3p21.31.
Variant type: single nucleotide variant.
Coding change: c.4011+6G>T on transcript NM_000094.4 (MANE Select); 6 bases into the intron after coding-DNA position 4011, G replaced by T.
Molecular consequence: intron variant.
Genome position (GRCh38, 1-based): chr3:48,584,904, C>A on the plus strand (G>T on the coding strand, the complement: COL7A1 is on the minus strand). VCF-style: chr3-48584904-C-A. GRCh37 (hg19) VCF-style: chr3-48622337-C-A.
Identifiers: ClinVar variation 4754164 (VCV004754164.1).
Genomic context (GRCh38, chr3:48,584,904, plus strand): 5'-AGGCTCCCACCCTGTGGAAGAACCCTGGGAAGACACTTAGAGAGCAAAGAAGGGAAGGCA[C>A]CTTACCGGGTCCCCACGAGGGCCAGGCAACCCTGGAGAGCCCTGCAAATGGAGGCCAGAG-3'

ClinVar aggregate classification (germline): Uncertain significance (1 of 4 stars; one submission).

gnomAD v4.1: 4 of 1,614,028 alleles (0.00025%); highest among the groups gnomAD compares: East Asian, 0.0045%; no homozygotes.

Submission:

Labcorp Genetics (formerly Invitae), Labcorp
Classification: Uncertain significance. Last evaluated: 2025-10-10. Review status: criteria provided, single submitter. Criteria: Invitae Variant Classification Sherloc (09022015). Collection method: clinical testing. Allele origin: germline.
Comment: This sequence change falls in intron 33 of the COL7A1 gene. It does not directly change the encoded amino acid sequence of the COL7A1 protein. It affects a nucleotide within the consensus splice site. This variant is present in population databases (no rsID available, gnomAD 0.003%). This variant has not been reported in the literature in individuals affected with COL7A1-related conditions. Variants that disrupt the consensus splice site are a relatively common cause of aberrant splicing (PMID: 17576681, 9536098). Algorithms developed to predict the effect of sequence changes on RNA splicing suggest that this variant is not likely to affect RNA splicing. In summary, the available evidence is currently insufficient to determine the role of this variant in disease. Therefore, it has been classified as a Variant of Uncertain Significance.

Literature cited by the submitters: PubMed 17576681; PubMed 9536098.